The following is an entry in ClinVar:

ClinVar aggregate classification (germline): Likely benign (1 of 4 stars; one submission).

Submission:

CeGaT Center for Human Genetics Tuebingen
Classification: Likely benign. Last evaluated: 2025-07-01. Review status: criteria provided, single submitter. Criteria: CeGaT Center For Human Genetics Tuebingen Variant Classification Criteria Version 2. Collection method: clinical testing. Allele origin: germline. Affected: yes. Observed: 2 variant alleles.
Comment: HYDIN: BP4, BP7

NM_001270974.2(HYDIN):c.804C>T (p.Gly268=)

Gene: HYDIN (HYDIN axonemal central pair apparatus protein; minus strand). Cytogenetic location: 16q22.2.
Variant type: single nucleotide variant.
Coding change: c.804C>T on transcript NM_001270974.2 (MANE Select); coding-DNA position 804, C replaced by T.
Protein change: p.Gly268=; no amino-acid change (glycine 268 retained).
Molecular consequence: synonymous variant.
Genome position (GRCh38, 1-based): chr16:71,152,696, G>A on the plus strand (C>T on the coding strand, the complement: HYDIN is on the minus strand). VCF-style: chr16-71152696-G-A. GRCh37 (hg19) VCF-style: chr16-71186599-G-A.
Other names: c.885C>T, p.Gly295= (NM_001198542.1); c.855C>T, p.Gly285= (NM_001198543.1); c.804C>T, p.Gly268= (NM_017558.5).
Identifiers: ClinVar variation 4083827 (VCV004083827.8).
Genomic context (GRCh38, chr16:71,152,696, plus strand): 5'-TTTTAACAAAGAATACTGCATACCTGTGTCATAACACACGATAAGTCTTCCACTGTGATC[G>A]CCCACACTCTGTGGCTCAAACTCCACTTCCAGTTGCATGGACTCTCCCACATTAAGAGTT-3'
Protein context (NP_001257903.1, residues 258-278): LEVEFEPQSV[Gly268=]DHSGRLIVCY